The following is an entry in ClinVar:

ClinVar aggregate classification (germline): Uncertain significance. Review status: criteria provided, multiple submitters, no conflicts (2 of 4 stars). 2 submissions from 2 submitters: Uncertain significance (2). Last evaluated 2022-02-17.

Allele frequency attached by ClinVar (database versions not stated): TOPMed 0.00001; gnomAD 0.00002.
gnomAD v4.1: 3 of 1,613,664 alleles (0.00019%); highest among the groups gnomAD compares: African/African-American, 0.0027%; no homozygotes.

Submissions (2):

Labcorp Genetics (formerly Invitae), Labcorp
Classification: Uncertain significance. Last evaluated: 2022-02-17. Review status: criteria provided, single submitter. Criteria: Invitae Variant Classification Sherloc (09022015). Collection method: clinical testing. Allele origin: germline.
Comment: This sequence change replaces asparagine, which is neutral and polar, with serine, which is neutral and polar, at codon 2878 of the USH2A protein (p.Asn2878Ser). This variant is present in population databases (no rsID available, gnomAD 0.02%). This variant has not been reported in the literature in individuals affected with USH2A-related conditions. Algorithms developed to predict the effect of missense changes on protein structure and function are either unavailable or do not agree on the potential impact of this missense change (SIFT: "Deleterious"; PolyPhen-2: "Benign"; Align-GVGD: "Class C45"). Algorithms developed to predict the effect of sequence changes on RNA splicing suggest that this variant is not likely to affect RNA splicing. In summary, the available evidence is currently insufficient to determine the role of this variant in disease. Therefore, it has been classified as a Variant of Uncertain Significance.

Blueprint Genetics
Classification: Uncertain significance. Last evaluated: 2019-09-20. Review status: criteria provided, single submitter. Criteria: ACMG Guidelines, 2015. Collection method: clinical testing. Allele origin: germline.

NM_206933.4(USH2A):c.8633A>G (p.Asn2878Ser)

Gene: USH2A (usherin; minus strand). Cytogenetic location: 1q41.
Variant type: single nucleotide variant.
Coding change: c.8633A>G on transcript NM_206933.4 (MANE Select); coding-DNA position 8633, A replaced by G.
Protein change: p.Asn2878Ser; replaces asparagine 2878 with serine.
Molecular consequence: missense variant.
Genome position (GRCh38, 1-based): chr1:215,877,806, T>C on the plus strand (A>G on the coding strand, the complement: USH2A is on the minus strand). VCF-style: chr1-215877806-T-C. GRCh37 (hg19) VCF-style: chr1-216051148-T-C.
Other names: short protein forms N2878S.
Identifiers: ClinVar variation 2199544 (VCV002199544.2), dbSNP rs1301975809, ClinGen allele CA344829264.